The following is an entry in ClinVar:

NM_178857.6(RP1L1):c.538G>A (p.Ala180Thr)

Gene: RP1L1 (RP1 like 1). Cytogenetic location: 8p23.1.
Variant type: single nucleotide variant.
Coding change: c.538G>A on transcript NM_178857.6 (MANE Select); coding-DNA position 538, G replaced by A.
Protein change: p.Ala180Thr; replaces alanine 180 with threonine.
Molecular consequence: missense variant.
Genome position (GRCh38, 1-based): chr8:10,622,664, C>T on the plus strand (G>A on the coding strand, the complement: RP1L1 is on the minus strand). VCF-style: chr8-10622664-C-T. GRCh37 (hg19) VCF-style: chr8-10480174-C-T.
Other names: short protein forms A180T.
Identifiers: ClinVar variation 1514235 (VCV001514235.7), dbSNP rs181942944, ClinGen allele CA4625653.
Genomic context (GRCh38, chr8:10,622,664, plus strand): 5'-TGGTCGTGTACAACTGCTTCACAGGAAAGCGCAGGAGATCTGAGGCTTTGCCGAGAAAGG[C>T]GGCCAGGTTCCTAGTATTCCTGTGACTGAGAACCACTGTCTGCTGGAGGCGAGGGTCCAT-3'
Protein context (NP_849188.4, residues 170-190): LSHRNTRNLA[Ala180Thr]FLGKASDLLR

ClinVar aggregate classification (germline): Uncertain significance. Review status: criteria provided, multiple submitters, no conflicts (2 of 4 stars). 2 submissions from 2 submitters: Uncertain significance (2). Last evaluated 2024-04-16.

Allele frequency attached by ClinVar (database versions not stated): TOPMed 0.00002.
gnomAD v4.1: 45 of 1,614,098 alleles (0.0028%); highest among the groups gnomAD compares: Middle Eastern, 0.016%; no homozygotes.

Submissions (2):

Blueprint Genetics
Classification: Uncertain significance. Last evaluated: 2024-04-16. Review status: criteria provided, single submitter. Criteria: ACMG Guidelines, 2015. Collection method: clinical testing. Allele origin: germline.

Labcorp Genetics (formerly Invitae), Labcorp
Classification: Uncertain significance. Last evaluated: 2022-05-05. Review status: criteria provided, single submitter. Criteria: Invitae Variant Classification Sherloc (09022015). Collection method: clinical testing. Allele origin: germline.
Comment: This variant is present in population databases (rs181942944, gnomAD 0.009%). In summary, the available evidence is currently insufficient to determine the role of this variant in disease. Therefore, it has been classified as a Variant of Uncertain Significance. Advanced modeling of protein sequence and biophysical properties (such as structural, functional, and spatial information, amino acid conservation, physicochemical variation, residue mobility, and thermodynamic stability) performed at Invitae indicates that this missense variant is not expected to disrupt RP1L1 protein function. This variant has not been reported in the literature in individuals affected with RP1L1-related conditions. This sequence change replaces alanine, which is neutral and non-polar, with threonine, which is neutral and polar, at codon 180 of the RP1L1 protein (p.Ala180Thr).